The following is an entry in ClinVar:

NM_001943.5(DSG2):c.2065G>C (p.Gly689Arg)

Genes: DSG2 (desmoglein 2; plus strand), DSG2-AS1 (DSG2 antisense RNA 1; minus strand). Cytogenetic location: 18q12.1.
Variant type: single nucleotide variant.
Coding change: c.2065G>C on transcript NM_001943.5 (MANE Select); coding-DNA position 2065, G replaced by C.
Protein change: p.Gly689Arg; replaces glycine 689 with arginine.
Molecular consequence: missense variant.
Genome position (GRCh38, 1-based): chr18:31,542,583, G>C. VCF-style: chr18-31542583-G-C. GRCh37 (hg19) VCF-style: chr18-29122546-G-C.
Other names: short protein forms G689R.
Identifiers: ClinVar variation 1952214 (VCV001952214.5), dbSNP rs2073275148, ClinGen allele CA402141356.

ClinVar aggregate classification (germline): Uncertain significance (1 of 4 stars; one submission).

Conditions:
Arrhythmogenic right ventricular dysplasia 10. Also called: ARRHYTHMOGENIC RIGHT VENTRICULAR DYSPLASIA, FAMILIAL, 10; Arrhythmogenic Right Ventricular Dysplasia/Cardiomyopathy10; Arrhythmogenic right ventricular dysplasia/cardiomyopathy, type 10. Identifiers: MedGen C1857777, MONDO:0012434, OMIM 610193.

Submission:

Labcorp Genetics (formerly Invitae), Labcorp
Classification: Uncertain significance for Arrhythmogenic right ventricular dysplasia 10. Last evaluated: 2022-08-16. Review status: criteria provided, single submitter. Criteria: Invitae Variant Classification Sherloc (09022015). Collection method: clinical testing. Allele origin: germline.
Comment: Algorithms developed to predict the effect of missense changes on protein structure and function are either unavailable or do not agree on the potential impact of this missense change (SIFT: "Tolerated"; PolyPhen-2: "Possibly Damaging"; Align-GVGD: "Class C0"). This variant has not been reported in the literature in individuals affected with DSG2-related conditions. This variant is not present in population databases (gnomAD no frequency). This sequence change replaces glycine, which is neutral and non-polar, with arginine, which is basic and polar, at codon 689 of the DSG2 protein (p.Gly689Arg). In summary, the available evidence is currently insufficient to determine the role of this variant in disease. Therefore, it has been classified as a Variant of Uncertain Significance.